The following is an entry in ClinVar:

NM_000059.4(BRCA2):c.8276_8279del (p.Val2759fs)

Gene: BRCA2 (BRCA2 DNA repair associated; plus strand). Cytogenetic location: 13q13.1.
Variant type: Deletion.
Coding change: c.8276_8279del on transcript NM_000059.4 (MANE Select); coding-DNA positions 8276 to 8279, 4 bases deleted (TGGG; older notation c.8276_8279delTGGG).
Protein change: p.Val2759fs; shifts the reading frame from valine 2759.
Molecular consequence: frameshift variant.
Genome position (GRCh38, 1-based): chr13:32,363,478-32,363,481, TGGG deleted; deleting any 4 consecutive bases within chr13:32,363,476-32,363,481 gives the same sequence; the c. name uses the placement nearest the transcript's 3' end. VCF-style (leftmost placement, unchanged base first): chr13-32363475-TGGTG-T. GRCh37 (hg19) VCF-style: chr13-32937612-TGGTG-T.
Other names: 8504del4; c.8276_8279delTGGG (NM_000059.3).
Identifiers: ClinVar variation 267063 (VCV000267063.11), dbSNP rs886040753, ClinGen allele CA10589476.

ClinVar aggregate classification (germline): Pathogenic. Review status: reviewed by expert panel (3 of 4 stars). 5 submissions from 5 submitters: Pathogenic (1). 4 of the submissions do not count toward it. Last evaluated 2016-10-18.

Conditions:
Breast-ovarian cancer, familial, susceptibility to, 2 (BROVCA2). Also called: BRCA2 Hereditary Breast and Ovarian Cancer. Identifiers: Orphanet 145, MedGen C2675520, MONDO:0012933, OMIM 612555. Disease mechanism: loss of function.
Hereditary cancer-predisposing syndrome. Also called: Hereditary neoplastic syndrome; Neoplastic Syndromes, Hereditary; Tumor predisposition; Hereditary Cancer Syndrome. Identifiers: Orphanet 140162, MedGen C0027672, MeSH D009386, MONDO:0015356.
Hereditary breast ovarian cancer syndrome. Also called: BRCA1- and BRCA2-Associated Hereditary Breast and Ovarian Cancer; Hereditary breast and ovarian cancer; Breast and ovarian cancer; Hereditary breast and/or ovarian cancer syndrome; Hereditary breast and ovarian cancer syndrome; Hereditary breast and ovarian cancer syndrome (HBOC). Identifiers: Orphanet 145, MedGen C0677776, MeSH D061325, MONDO:0003582. Disease mechanism: loss of function.

Submissions (5):

Evidence-based Network for the Interpretation of Germline Mutant Alleles (ENIGMA)
Classification: Pathogenic for Breast-ovarian cancer, familial, susceptibility to, 2. Last evaluated: 2016-10-18. Review status: reviewed by expert panel. Criteria: ENIGMA BRCA1/2 Classification Criteria (2015). Collection method: curation. Allele origin: germline.
Comment: Variant allele predicted to encode a truncated non-functional protein.

Labcorp Genetics (formerly Invitae), Labcorp
Classification: Pathogenic for Hereditary breast ovarian cancer syndrome. Last evaluated: 2021-08-30. Review status: criteria provided, single submitter. Criteria: Invitae Variant Classification Sherloc (09022015). Collection method: clinical testing. Allele origin: germline. Not counted in ClinVar's aggregate classification.
Comment: This variant is not present in population databases (ExAC no frequency). For these reasons, this variant has been classified as Pathogenic. ClinVar contains an entry for this variant (Variation ID: 267063). This variant has not been reported in the literature in individuals affected with BRCA2-related conditions. This sequence change creates a premature translational stop signal (p.Val2759Alafs*17) in the BRCA2 gene. It is expected to result in an absent or disrupted protein product. Loss-of-function variants in BRCA2 are known to be pathogenic (PMID: 20104584).

Ambry Genetics
Classification: Pathogenic for Hereditary cancer-predisposing syndrome. Last evaluated: 2019-10-18. Review status: criteria provided, single submitter. Criteria: Ambry Variant Classification Scheme 2023. Collection method: clinical testing. Allele origin: germline. Not counted in ClinVar's aggregate classification.
Comment: The c.8276_8279delTGGG pathogenic mutation, located in coding exon 17 of the BRCA2 gene, results from a deletion of 4 nucleotides at nucleotide positions 8276 to 8279, causing a translational frameshift with a predicted alternate stop codon (p.V2759Afs*17). This alteration was identified in a large, worldwide study of BRCA1/2 mutation positive families (Rebbeck TR et al. Hum. Mutat., 2018 05;39:593-620). In addition to the clinical data presented in the literature, this alteration is expected to result in loss of function by premature protein truncation or nonsense-mediated mRNA decay. As such, this alteration is interpreted as a disease-causing mutation.

Consortium of Investigators of Modifiers of BRCA1/2 (CIMBA), c/o University of Cambridge
Classification: Pathogenic for Breast-ovarian cancer, familial, susceptibility to, 2. Last evaluated: 2015-10-02. Review status: criteria provided, single submitter. Criteria: CIMBA Mutation Classification guidelines May 2016. Collection method: clinical testing. Allele origin: germline. Not counted in ClinVar's aggregate classification.

Research Molecular Genetics Laboratory, Women's College Hospital, University of Toronto
Classification: Pathogenic for Hereditary breast ovarian cancer syndrome. Last evaluated: 2014-01-31. Review status: no assertion criteria provided. Collection method: research. Allele origin: germline. Affected: yes. Study: The Canadian Open Genetics Repository (COGR). Not counted in ClinVar's aggregate classification.

Literature cited by the submitters: PubMed 20104584 (cited by Labcorp Genetics (formerly Invitae), Labcorp); PubMed 29446198 (cited by Ambry Genetics).